The following is an entry in ClinVar:

NM_006269.2(RP1):c.23del (p.Gly8fs)

Gene: RP1 (RP1 axonemal microtubule associated; plus strand). Cytogenetic location: 8q12.1.
Variant type: Deletion.
Coding change: c.23del on transcript NM_006269.2 (MANE Select); coding-DNA position 23, one base deleted (G; older notation c.23delG).
Protein change: p.Gly8fs; shifts the reading frame from glycine 8.
Molecular consequence: frameshift variant.
Genome position (GRCh38, 1-based): chr8:54,620,989, G deleted; the last of 2 consecutive G bases (chr8:54,620,988-54,620,989); deleting either gives the same sequence. VCF-style (leftmost placement, unchanged base first): chr8-54620987-TG-T. GRCh37 (hg19) VCF-style: chr8-55533547-TG-T.
Other names: c.23del, p.Gly8fs (NM_001375654.1); short protein forms G8fs.
Identifiers: ClinVar variation 3614413 (VCV003614413.2).

ClinVar aggregate classification (germline): Pathogenic (1 of 4 stars; one submission).

Submission:

Labcorp Genetics (formerly Invitae), Labcorp
Classification: Pathogenic. Last evaluated: 2024-04-08. Review status: criteria provided, single submitter. Criteria: Invitae Variant Classification Sherloc (09022015). Collection method: clinical testing. Allele origin: germline.
Comment: This sequence change creates a premature translational stop signal (p.Gly8Valfs*20) in the RP1 gene. It is expected to result in an absent or disrupted protein product. Loss-of-function variants in RP1 are known to be pathogenic (PMID: 11960024, 19933189). This variant is not present in population databases (gnomAD no frequency). This variant has not been reported in the literature in individuals affected with RP1-related conditions. For these reasons, this variant has been classified as Pathogenic.

Literature cited by the submitters: PubMed 11960024; PubMed 19933189.